The following is an entry in ClinVar:

ClinVar aggregate classification (germline): Uncertain significance. Review status: criteria provided, multiple submitters, no conflicts (2 of 4 stars). 3 submissions from 3 submitters: Uncertain significance (3). Last evaluated 2025-01-14.

Conditions:
Hereditary hemochromatosis (HFE). Identifiers: MedGen C0392514, MONDO:0006507. Disease mechanism: loss of function.
Hemochromatosis type 2B (HFE2B). Also called: Juvenile-Onset Hemochromatosis; HAMP-Related Juvenile Hemochromatosis. Identifiers: Orphanet 79230, MedGen C1865616, MONDO:0013220, OMIM 613313.

Allele frequency attached by ClinVar (database versions not stated): ExAC 0.00002; gnomAD exomes 0.00009; TOPMed 0.00014; gnomAD 0.00022.

Submissions (3):

Labcorp Genetics (formerly Invitae), Labcorp
Classification: Uncertain significance for Hereditary hemochromatosis. Last evaluated: 2025-01-14. Review status: criteria provided, single submitter. Criteria: Invitae Variant Classification Sherloc (09022015). Collection method: clinical testing. Allele origin: germline.
Comment: This sequence change replaces arginine, which is basic and polar, with glycine, which is neutral and non-polar, at codon 59 of the HAMP protein (p.Arg59Gly). This variant is present in population databases (rs779021719, gnomAD 0.02%). This missense change has been observed in individual(s) with elevated iron indices and/or hemochromotosis (PMID: 14670915, 19787796, 21411349). ClinVar contains an entry for this variant (Variation ID: 241375). An algorithm developed to predict the effect of missense changes on protein structure and function (PolyPhen-2) suggests that this variant is likely to be disruptive. In summary, the available evidence is currently insufficient to determine the role of this variant in disease. Therefore, it has been classified as a Variant of Uncertain Significance.

Women's Health and Genetics/Laboratory Corporation of America, LabCorp
Classification: Uncertain significance. Last evaluated: 2022-06-23. Review status: criteria provided, single submitter. Criteria: LabCorp Variant Classification Summary - May 2015. Collection method: clinical testing. Allele origin: germline.
Comment: Variant summary: HAMP c.175C>G (p.Arg59Gly) results in a non-conservative amino acid change in the encoded protein sequence. Four of five in-silico tools predict a damaging effect of the variant on protein function. The variant allele was found at a frequency of 9.1e-05 in 251488 control chromosomes. This frequency is not significantly higher than estimated for a pathogenic variant in HAMP causing Hemochromatosis Type 2B (9.1e-05 vs 0.0011), allowing no conclusion about variant significance. c.175C>G has been reported in the literature as a variant in HAMP as a modifier gene that increases the phenotypic expression of the HFE p.C282Y homozygous genotype (Jacolot_2004) and has been subsequently reported with a non-informative genotype and an unclear association with primary iron overload (example, Santos_2011) with citations by others (example, Nemeth_2006, Castiella_2016). These report(s) do not provide unequivocal conclusions about association of the variant with Hemochromatosis Type 2B. To our knowledge, no experimental evidence demonstrating an impact on protein function has been reported. One clinical diagnostic laboratory has submitted clinical-significance assessments for this variant to ClinVar after 2014 and classified the variant as uncertain significance. Based on the evidence outlined above, the variant was classified as uncertain significance.

Department of Pathology and Laboratory Medicine, Sinai Health System
Classification: Uncertain significance for Hemochromatosis type 2B. Last evaluated: 2021-07-30. Review status: criteria provided, single submitter. Criteria: ACMG Guidelines, 2015. Collection method: research. Allele origin: germline.

Literature cited by the submitters: PubMed 14670915 (cited by Labcorp Genetics (formerly Invitae), Labcorp and Women's Health and Genetics/Laboratory Corporation of America, LabCorp); PubMed 19787796 (cited by Labcorp Genetics (formerly Invitae), Labcorp); PubMed 21411349 (cited by Labcorp Genetics (formerly Invitae), Labcorp and Women's Health and Genetics/Laboratory Corporation of America, LabCorp); PubMed 26547814 (cited by Women's Health and Genetics/Laboratory Corporation of America, LabCorp); PubMed 16141345 (cited by Women's Health and Genetics/Laboratory Corporation of America, LabCorp).

NM_021175.4(HAMP):c.175C>G (p.Arg59Gly)

Gene: HAMP (hepcidin antimicrobial peptide; plus strand). Cytogenetic location: 19q13.12.
Variant type: single nucleotide variant.
Coding change: c.175C>G on transcript NM_021175.4 (MANE Select); coding-DNA position 175, C replaced by G.
Protein change: p.Arg59Gly; replaces arginine 59 with glycine.
Molecular consequence: missense variant.
Genome position (GRCh38, 1-based): chr19:35,284,962, C>G. VCF-style: chr19-35284962-C-G. GRCh37 (hg19) VCF-style: chr19-35775865-C-G.
Other names: short protein forms R59G.
Identifiers: ClinVar variation 241375 (VCV000241375.10), dbSNP rs779021719, ClinGen allele CA9375824.